The following is an entry in ClinVar:

NM_024529.5(CDC73):c.829-3C>T

Gene: CDC73 (cell division cycle 73; plus strand). Cytogenetic location: 1q31.2.
Variant type: single nucleotide variant.
Coding change: c.829-3C>T on transcript NM_024529.5 (MANE Select); 3 bases into the intron before coding-DNA position 829, C replaced by T.
Molecular consequence: intron variant.
Genome position (GRCh38, 1-based): chr1:193,150,301, C>T. VCF-style: chr1-193150301-C-T. GRCh37 (hg19) VCF-style: chr1-193119431-C-T.
Other names: c.829-3C>T (NM_024529.4).
Identifiers: ClinVar variation 2418283 (VCV002418283.7), dbSNP rs2527341401, ClinGen allele CA2580061732.
Genomic context (GRCh38, chr1:193,150,301, plus strand): 5'-AGCACATTAAATAAGTGACATTTAAAAATATTAACAAGTAACTCATAATTAATTTTTTTA[C>T]AGGATCCCACTTTGCGCACCAAACAGCCTATCCCAGCTGCCTATAACAGATACGATCAGG-3'

ClinVar aggregate classification (germline): Conflicting classifications of pathogenicity. Review status: criteria provided, conflicting classifications (1 of 4 stars). 2 submissions from 2 submitters: Uncertain significance (1); Likely benign (1). Last evaluated 2025-12-23.

Conditions:
Parathyroid carcinoma (PRTC). Also called: CDC73-Related Parathyroid Carcinoma; Parathyroid gland carcinoma. Identifiers: Orphanet 143, MedGen C0687150, MONDO:0012004, OMIM 608266, HP:0006780.
Hereditary cancer-predisposing syndrome. Also called: Neoplastic Syndromes, Hereditary; Tumor predisposition; Hereditary Cancer Syndrome; Hereditary neoplastic syndrome. Identifiers: Orphanet 140162, MedGen C0027672, MeSH D009386, MONDO:0015356.

Submissions (2):

Ambry Genetics
Classification: Uncertain significance for Hereditary cancer-predisposing syndrome. Last evaluated: 2025-12-23. Review status: criteria provided, single submitter. Criteria: Ambry Variant Classification Scheme 2023. Collection method: clinical testing. Allele origin: germline.
Comment: The c.829-3C>T intronic variant results from a C to T substitution 3 nucleotides upstream from coding exon 9 in the CDC73 gene. This nucleotide position is not well conserved in available vertebrate species. In silico splice site analysis predicts that this alteration will not have any significant effect on splicing. Based on the available evidence, the clinical significance of this variant remains unclear.

Labcorp Genetics (formerly Invitae), Labcorp
Classification: Likely benign for Parathyroid carcinoma. Last evaluated: 2022-04-18. Review status: criteria provided, single submitter. Criteria: Invitae Variant Classification Sherloc (09022015). Collection method: clinical testing. Allele origin: germline.